The following is an entry in ClinVar:

NM_003289.4(TPM2):c.240T>A (p.Asp80Glu)

Gene: TPM2 (tropomyosin 2; minus strand). Cytogenetic location: 9p13.3.
Variant type: single nucleotide variant.
Coding change: c.240T>A on transcript NM_003289.4 (MANE Select); coding-DNA position 240, T replaced by A.
Protein change: p.Asp80Glu; replaces aspartic acid 80 with glutamic acid.
Molecular consequence: missense variant.
Genome position (GRCh38, 1-based): chr9:35,689,146, A>T on the plus strand (T>A on the coding strand, the complement: TPM2 is on the minus strand). VCF-style: chr9-35689146-A-T. GRCh37 (hg19) VCF-style: chr9-35689143-A-T.
Other names: c.240T>A, p.Asp80Glu (NM_001301226.2, NM_001301227.2, NM_213674.1); short protein forms D80E.
Identifiers: ClinVar variation 4769734 (VCV004769734.1).

ClinVar aggregate classification (germline): Uncertain significance (1 of 4 stars; one submission).

Conditions:
Arthrogryposis, distal, type 1A. Also called: ARTHROGRYPOSIS MULTIPLEX CONGENITA, DISTAL, TYPE I. Identifiers: Orphanet 1146, MedGen C6022280, MONDO:0007157, OMIM 108120.

Submission:

Labcorp Genetics (formerly Invitae), Labcorp
Classification: Uncertain significance for Arthrogryposis, distal, type 1A. Last evaluated: 2026-01-06. Review status: criteria provided, single submitter. Criteria: Invitae Variant Classification Sherloc (09022015). Collection method: clinical testing. Allele origin: germline.
Comment: This sequence change replaces aspartic acid, which is acidic and polar, with glutamic acid, which is acidic and polar, at codon 80 of the TPM2 protein (p.Asp80Glu). This variant is present in population databases (rs201145709, gnomAD 0.0009%). This variant has not been reported in the literature in individuals affected with TPM2-related conditions. An algorithm developed to predict the effect of missense changes on protein structure and function (PolyPhen-2) suggests that this variant is likely to be tolerated. In summary, the available evidence is currently insufficient to determine the role of this variant in disease. Therefore, it has been classified as a Variant of Uncertain Significance.